The following is an entry in ClinVar:

NM_001347721.2(DYRK1A):c.637+8_637+11del

Gene: DYRK1A (dual specificity tyrosine phosphorylation regulated kinase 1A; plus strand). Cytogenetic location: 21q22.13.
Variant type: Microsatellite.
Coding change: c.637+8_637+11del on transcript NM_001347721.2 (MANE Select); bases 8 to 11 of the intron after coding-DNA position 637, 4 bases deleted (AACA; older notation c.637+8_637+11delAACA).
Molecular consequence: intron variant.
Genome position (GRCh38, 1-based): chr21:37,486,622-37,486,625, AACA deleted; deleting any 4 consecutive bases within chr21:37,486,617-37,486,625 gives the same sequence; the c. name uses the placement nearest the transcript's 3' end. VCF-style (leftmost placement, unchanged base first): chr21-37486616-TAAAC-T. GRCh37 (hg19) VCF-style: chr21-38858918-TAAAC-T.
Other names: c.664+8_664+11delAACA (NM_001396.3); c.664+8_664+11del (NM_001396.5, NM_101395.2, NM_130438.2); c.637+8_637+11del (NM_001347722.2, NM_130436.2); c.550+8_550+11del (NM_001347723.2).
Identifiers: ClinVar variation 420472 (VCV000420472.10), dbSNP rs764954220, ClinGen allele CA10023818.
Genomic context (GRCh38, chr21:37,486,616, plus strand): 5'-AGAAGTGCGACTTCTTGAGCTCATGAACAAACATGACACTGAAATGAAATACTACATAGG[TAAAC>T]AAACAGGCAAACAGCGCAGTGTGCCCCAACCCACACCAAAACTTTGAGTTAATGGTTCTT-3'

ClinVar aggregate classification (germline): Likely benign. Review status: criteria provided, multiple submitters, no conflicts (2 of 4 stars). 2 submissions from 2 submitters: Likely benign (2). Last evaluated 2025-12-01.

Conditions:
DYRK1A-related intellectual disability syndrome (MRD7). Also called: DYRK1A Syndrome; Intellectual developmental disorder, autosomal dominant 7. Identifiers: Orphanet 464306, MedGen C5568143, MONDO:0013578, OMIM 614104.

Submissions (2):

Labcorp Genetics (formerly Invitae), Labcorp
Classification: Likely benign for DYRK1A-related intellectual disability syndrome. Last evaluated: 2025-12-01. Review status: criteria provided, single submitter. Criteria: Invitae Variant Classification Sherloc (09022015). Collection method: clinical testing. Allele origin: germline.

GeneDx
Classification: Likely benign. Last evaluated: 2016-02-19. Review status: criteria provided, single submitter. Criteria: GeneDx Variant Classification (06012015). Collection method: clinical testing. Allele origin: germline. Affected: yes.
Comment: This variant is considered likely benign or benign based on one or more of the following criteria: it is a conservative change, it occurs at a poorly conserved position in the protein, it is predicted to be benign by multiple in silico algorithms, and/or has population frequency not consistent with disease.